The following is an entry in ClinVar:

NM_000535.7(PMS2):c.645A>G (p.Val215=)

Gene: PMS2 (PMS1 homolog 2, mismatch repair system component; minus strand). Cytogenetic location: 7p22.1.
Variant type: single nucleotide variant.
Coding change: c.645A>G on transcript NM_000535.7 (MANE Select); coding-DNA position 645, A replaced by G.
Protein change: p.Val215=; no amino-acid change (valine 215 retained).
Molecular consequence: synonymous variant. On other transcripts: 5 prime UTR variant (2), non-coding transcript variant (1), intron variant (1).
Genome position (GRCh38, 1-based): chr7:5,999,168, T>C on the plus strand (A>G on the coding strand, the complement: PMS2 is on the minus strand). VCF-style: chr7-5999168-T-C. GRCh37 (hg19) VCF-style: chr7-6038799-T-C.
Other names: c.240A>G, p.Val80= (NM_001322003.2, NM_001322004.2, NM_001322005.2 and 2 more transcripts); c.645A>G, p.Val215= (NM_001322006.2, NM_001322014.2); c.327A>G, p.Val109= (NM_001322007.2, NM_001322008.2); c.-289A>G (NM_001322011.2, NM_001322012.2); c.336A>G, p.Val112= (NM_001322015.2); c.133-1745A>G (NM_001322013.2).
Identifiers: ClinVar variation 480334 (VCV000480334.15), dbSNP rs1221117740, ClinGen allele CA453646875.

ClinVar aggregate classification (germline): Benign/Likely benign. Review status: criteria provided, multiple submitters, no conflicts (2 of 4 stars). 3 submissions from 3 submitters: Benign (1); Likely benign (2). Last evaluated 2025-01-27.

Conditions:
Hereditary nonpolyposis colorectal neoplasms. Identifiers: MedGen C0009405, MeSH D003123.
Lynch syndrome 4 (LYNCH4). Also called: Colorectal cancer, hereditary nonpolyposis, type 4; Hereditary non-polyposis colorectal cancer, type 4. Identifiers: Orphanet 144, MedGen C1838333, MONDO:0013699, OMIM 614337. Disease mechanism: loss of function.
Hereditary cancer-predisposing syndrome. Also called: Hereditary Cancer Syndrome; Neoplastic Syndromes, Hereditary; Tumor predisposition; Hereditary neoplastic syndrome. Identifiers: Orphanet 140162, MedGen C0027672, MeSH D009386, MONDO:0015356.

Allele frequency attached by ClinVar (database versions not stated): gnomAD exomes below 0.00001.

Submissions (3):

Myriad Genetics, Inc.
Classification: Benign for Lynch syndrome 4. Last evaluated: 2025-01-27. Review status: criteria provided, single submitter. Criteria: Myriad Autosomal Dominant, Autosomal Recessive and X-Linked Classification Criteria (2023). Collection method: clinical testing. Allele origin: unknown.
Comment: This variant is considered benign. This variant is a silent/synonymous amino acid change and it is not expected to impact splicing.

Labcorp Genetics (formerly Invitae), Labcorp
Classification: Likely benign for Hereditary nonpolyposis colorectal neoplasms. Last evaluated: 2024-03-06. Review status: criteria provided, single submitter. Criteria: Invitae Variant Classification Sherloc (09022015). Collection method: clinical testing. Allele origin: germline.

Ambry Genetics
Classification: Likely benign for Hereditary cancer-predisposing syndrome. Last evaluated: 2016-06-09. Review status: criteria provided, single submitter. Criteria: Ambry Variant Classification Scheme 2023. Collection method: clinical testing. Allele origin: germline.